The following is an entry in ClinVar:

NM_003922.4(HERC1):c.3635A>T (p.Tyr1212Phe)

Gene: HERC1 (HECT and RLD domain containing E3 ubiquitin protein ligase family member 1; minus strand). Cytogenetic location: 15q22.31.
Variant type: single nucleotide variant.
Coding change: c.3635A>T on transcript NM_003922.4 (MANE Select); coding-DNA position 3635, A replaced by T.
Protein change: p.Tyr1212Phe; replaces tyrosine 1212 with phenylalanine.
Molecular consequence: missense variant.
Genome position (GRCh38, 1-based): chr15:63,723,289, T>A on the plus strand (A>T on the coding strand, the complement: HERC1 is on the minus strand). VCF-style: chr15-63723289-T-A. GRCh37 (hg19) VCF-style: chr15-64015488-T-A.
Other names: short protein forms Y1212F.
Identifiers: ClinVar variation 1028677 (VCV001028677.1), dbSNP rs1441475684, ClinGen allele CA392755941.

ClinVar aggregate classification (germline): Uncertain significance (1 of 4 stars; one submission).

Conditions:
Macrocephaly, dysmorphic facies, and psychomotor retardation (MDFPMR). Identifiers: Orphanet 457359, MedGen C4310766, MONDO:0014863, OMIM 617011.

Allele frequency attached by ClinVar (database versions not stated): TOPMed below 0.00001; gnomAD 0.00001.
gnomAD v4.1: 3 of 1,597,858 alleles (0.00019%); highest among the groups gnomAD compares: African/African-American, 0.0027%; no homozygotes.

Submission:

Baylor Genetics
Classification: Uncertain significance for Macrocephaly, dysmorphic facies, and psychomotor retardation. Last evaluated: 2019-02-20. Review status: criteria provided, single submitter. Criteria: ACMG Guidelines, 2015. Collection method: clinical testing. Allele origin: unknown. Affected: yes.
Comment: This variant was determined to be of uncertain significance according to ACMG Guidelines, 2015 [PMID:25741868].